The following is an entry in ClinVar:

ClinVar aggregate classification (germline): Likely pathogenic (1 of 4 stars; one submission).

Conditions:
Hereditary insensitivity to pain with anhidrosis (CIPA). Also called: NTRK1 Congenital Insensitivity to Pain with Anhidrosis; FAMILIAL DYSAUTONOMIA, TYPE II; hereditary sensory and autonomic neuropathy type 4; INSENSITIVITY TO PAIN, CONGENITAL, WITH ANHIDROSIS; NEUROPATHY, CONGENITAL SENSORY, WITH ANHIDROSIS; HSAN Type IV. Identifiers: Orphanet 642, MedGen C0020074, MONDO:0009746, OMIM 256800.

Allele frequency attached by ClinVar (database versions not stated): gnomAD exomes below 0.00001.
gnomAD v4.1: 1 of 1,613,188 alleles (0.000062%); highest among the groups gnomAD compares: Non-Finnish European, 0.000085%; no homozygotes.

Submission:

Labcorp Genetics (formerly Invitae), Labcorp
Classification: Likely pathogenic for Hereditary insensitivity to pain with anhidrosis. Last evaluated: 2021-09-15. Review status: criteria provided, single submitter. Criteria: Invitae Variant Classification Sherloc (09022015). Collection method: clinical testing. Allele origin: germline.
Comment: In summary, the currently available evidence indicates that the variant is pathogenic, but additional data are needed to prove that conclusively. Therefore, this variant has been classified as Likely Pathogenic. Algorithms developed to predict the effect of sequence changes on RNA splicing suggest that this variant may disrupt the consensus splice site. This variant has not been reported in the literature in individuals affected with NTRK1-related conditions. This variant is not present in population databases (ExAC no frequency). This sequence change affects a donor splice site in intron 3 of the NTRK1 gene. It is expected to disrupt RNA splicing. Variants that disrupt the donor or acceptor splice site typically lead to a loss of protein function (PMID: 16199547), and loss-of-function variants in NTRK1 are known to be pathogenic (PMID: 10982191).

Literature cited by the submitters: PubMed 16199547; PubMed 10982191.

NM_002529.4(NTRK1):c.359+1G>C

Gene: NTRK1 (neurotrophic receptor tyrosine kinase 1; plus strand). Cytogenetic location: 1q23.1.
Variant type: single nucleotide variant.
Coding change: c.359+1G>C on transcript NM_002529.4 (MANE Select); the canonical splice donor site of the intron after coding-DNA position 359, G replaced by C.
Molecular consequence: splice donor variant.
Genome position (GRCh38, 1-based): chr1:156,864,800, G>C. VCF-style: chr1-156864800-G-C. GRCh37 (hg19) VCF-style: chr1-156834592-G-C.
Other names: c.269+1G>C (NM_001007792.1); c.359+1G>C (NM_001012331.2).
Identifiers: ClinVar variation 1502492 (VCV001502492.6), dbSNP rs2102886311, ClinGen allele CA342932891.